The following is an entry in ClinVar:

NM_018124.4(RFWD3):c.1949G>A (p.Cys650Tyr)

Gene: RFWD3 (ring finger and WD repeat domain 3; minus strand). Cytogenetic location: 16q23.1.
Variant type: single nucleotide variant.
Coding change: c.1949G>A on transcript NM_018124.4 (MANE Select); coding-DNA position 1949, G replaced by A.
Protein change: p.Cys650Tyr; replaces cysteine 650 with tyrosine.
Molecular consequence: missense variant.
Genome position (GRCh38, 1-based): chr16:74,628,472, C>T on the plus strand (G>A on the coding strand, the complement: RFWD3 is on the minus strand). VCF-style: chr16-74628472-C-T. GRCh37 (hg19) VCF-style: chr16-74662370-C-T.
Other names: c.1949G>A, p.Cys650Tyr (NM_001370534.1, NM_001370535.1); c.1772G>A, p.Cys591Tyr (NM_001370536.1); c.1115G>A, p.Cys372Tyr (NM_001370537.1, NM_001370539.1, NM_001370540.1 and 3 more transcripts); short protein forms C591Y, C372Y, C650Y.
Identifiers: ClinVar variation 2801673 (VCV002801673.3), dbSNP rs2543933820, ClinGen allele CA396759672.
Genomic context (GRCh38, chr16:74,628,472, plus strand): 5'-TGCTCCCAAATAAGCTATGGGAGACCCCAGCACTACTTACCAGGCCTGTAGGTCACAAGA[C>T]AGTGCCGGGAGCTGTTCTCTGTCTGAAAGTCTATGCAGCCCCCTGGCTCCAAGGGCAGCA-3'
Protein context (NP_060594.3, residues 640-660): DFQTENSSRH[Cys650Tyr]LVTYRPDKNH

ClinVar aggregate classification (germline): Uncertain significance (1 of 4 stars; one submission).

Submission:

Labcorp Genetics (formerly Invitae), Labcorp
Classification: Uncertain significance. Last evaluated: 2022-12-28. Review status: criteria provided, single submitter. Criteria: Invitae Variant Classification Sherloc (09022015). Collection method: clinical testing. Allele origin: germline.
Comment: This sequence change replaces cysteine, which is neutral and slightly polar, with tyrosine, which is neutral and polar, at codon 650 of the RFWD3 protein (p.Cys650Tyr). This variant is not present in population databases (gnomAD no frequency). This variant has not been reported in the literature in individuals affected with RFWD3-related conditions. Algorithms developed to predict the effect of missense changes on protein structure and function are either unavailable or do not agree on the potential impact of this missense change (SIFT: "Deleterious"; PolyPhen-2: "Possibly Damaging"; Align-GVGD: "Class C0"). In summary, the available evidence is currently insufficient to determine the role of this variant in disease. Therefore, it has been classified as a Variant of Uncertain Significance.